The following is an entry in ClinVar:

NM_003072.5(SMARCA4):c.772C>T (p.Pro258Ser)

Gene: SMARCA4 (SWI/SNF related BAF chromatin remodeling complex subunit ATPase 4; plus strand). Cytogenetic location: 19p13.2.
Variant type: single nucleotide variant.
Coding change: c.772C>T on transcript NM_003072.5 (MANE Select); coding-DNA position 772, C replaced by T.
Protein change: p.Pro258Ser; replaces proline 258 with serine.
Molecular consequence: missense variant. On other transcripts: non-coding transcript variant (1).
Genome position (GRCh38, 1-based): chr19:10,986,916, C>T. VCF-style: chr19-10986916-C-T. GRCh37 (hg19) VCF-style: chr19-11097592-C-T.
Other names: c.772C>T, p.Pro258Ser (NM_001128844.3, NM_001128845.2, NM_001128846.2 and 6 more transcripts); short protein forms P258S.
Identifiers: ClinVar variation 4827322 (VCV004827322.1).

ClinVar aggregate classification (germline): Uncertain significance (1 of 4 stars; one submission).

Conditions:
Hereditary cancer-predisposing syndrome. Also called: Neoplastic Syndromes, Hereditary; Tumor predisposition; Hereditary Cancer Syndrome; Hereditary neoplastic syndrome. Identifiers: Orphanet 140162, MedGen C0027672, MeSH D009386, MONDO:0015356.

Submission:

Ambry Genetics
Classification: Uncertain significance for Hereditary cancer-predisposing syndrome. Last evaluated: 2026-02-23. Review status: criteria provided, single submitter. Criteria: Ambry Variant Classification Scheme 2023. Collection method: clinical testing. Allele origin: germline.
Comment: The p.P258S variant (also known as c.772C>T), located in coding exon 4 of the SMARCA4 gene, results from a C to T substitution at nucleotide position 772. The proline at codon 258 is replaced by serine, an amino acid with similar properties. This amino acid position is conserved. In addition, the in silico prediction for this alteration is inconclusive. Based on the available evidence, the clinical significance of this variant remains unclear.